The following is an entry in ClinVar:

NM_173543.3(DZIP1L):c.1709C>A (p.Pro570His)

Gene: DZIP1L (DAZ interacting zinc finger protein 1 like; minus strand). Cytogenetic location: 3q22.3.
Variant type: single nucleotide variant.
Coding change: c.1709C>A on transcript NM_173543.3 (MANE Select); coding-DNA position 1709, C replaced by A.
Protein change: p.Pro570His; replaces proline 570 with histidine.
Molecular consequence: missense variant.
Genome position (GRCh38, 1-based): chr3:138,068,274, G>T on the plus strand (C>A on the coding strand, the complement: DZIP1L is on the minus strand). VCF-style: chr3-138068274-G-T. GRCh37 (hg19) VCF-style: chr3-137787116-G-T.
Other names: short protein forms P570H.
Identifiers: ClinVar variation 1421522 (VCV001421522.6), dbSNP rs2107735458, ClinGen allele CA354664171.

ClinVar aggregate classification (germline): Uncertain significance (1 of 4 stars; one submission).

Submission:

Labcorp Genetics (formerly Invitae), Labcorp
Classification: Uncertain significance. Last evaluated: 2022-06-05. Review status: criteria provided, single submitter. Criteria: Invitae Variant Classification Sherloc (09022015). Collection method: clinical testing. Allele origin: germline.
Comment: In summary, the available evidence is currently insufficient to determine the role of this variant in disease. Therefore, it has been classified as a Variant of Uncertain Significance. Algorithms developed to predict the effect of missense changes on protein structure and function are either unavailable or do not agree on the potential impact of this missense change (SIFT: "Deleterious"; PolyPhen-2: "Possibly Damaging"; Align-GVGD: "Class C0"). ClinVar contains an entry for this variant (Variation ID: 1421522). This variant has not been reported in the literature in individuals affected with DZIP1L-related conditions. This variant is not present in population databases (gnomAD no frequency). This sequence change replaces proline, which is neutral and non-polar, with histidine, which is basic and polar, at codon 570 of the DZIP1L protein (p.Pro570His).